The following is an entry in ClinVar:

NM_001852.4(COL9A2):c.578G>A (p.Gly193Glu)

Gene: COL9A2 (collagen type IX alpha 2 chain; minus strand). Cytogenetic location: 1p34.2.
Variant type: single nucleotide variant.
Coding change: c.578G>A on transcript NM_001852.4 (MANE Select); coding-DNA position 578, G replaced by A.
Protein change: p.Gly193Glu; replaces glycine 193 with glutamic acid.
Molecular consequence: missense variant.
Genome position (GRCh38, 1-based): chr1:40,311,145, C>T on the plus strand (G>A on the coding strand, the complement: COL9A2 is on the minus strand). VCF-style: chr1-40311145-C-T. GRCh37 (hg19) VCF-style: chr1-40776817-C-T.
Other names: short protein forms G193E.
Identifiers: ClinVar variation 3721726 (VCV003721726.2).

ClinVar aggregate classification (germline): Uncertain significance (1 of 4 stars; one submission).

Submission:

Labcorp Genetics (formerly Invitae), Labcorp
Classification: Uncertain significance. Last evaluated: 2024-10-03. Review status: criteria provided, single submitter. Criteria: Invitae Variant Classification Sherloc (09022015). Collection method: clinical testing. Allele origin: germline.
Comment: This sequence change replaces glycine, which is neutral and non-polar, with glutamic acid, which is acidic and polar, at codon 193 of the COL9A2 protein (p.Gly193Glu). This variant is not present in population databases (gnomAD no frequency). This variant has not been reported in the literature in individuals affected with COL9A2-related conditions. An algorithm developed to predict the effect of missense changes on protein structure and function (PolyPhen-2) suggests that this variant is likely to be disruptive. In summary, the available evidence is currently insufficient to determine the role of this variant in disease. Therefore, it has been classified as a Variant of Uncertain Significance.